The following is an entry in ClinVar:

ClinVar aggregate classification (germline): Conflicting classifications of pathogenicity. Review status: criteria provided, conflicting classifications (1 of 4 stars). 3 submissions from 3 submitters: Likely pathogenic (1); Uncertain significance (2). Last evaluated 2025-10-13.

Conditions:
3-methylcrotonyl-CoA carboxylase 1 deficiency (MCC1D). Also called: MCC 1 deficiency; 3 Alpha methylcrotonylglycinuria 1; MCCD TYPE 1; METHYLCROTONYLGLYCINURIA TYPE I. Identifiers: Orphanet 6, MedGen CN028786, MONDO:0008861, OMIM 210200.

Submissions (3):

Victorian Clinical Genetics Services, Murdoch Childrens Research Institute
Classification: Uncertain significance for 3-methylcrotonyl-CoA carboxylase 1 deficiency. Last evaluated: 2025-10-13. Review status: criteria provided, single submitter. Criteria: ACMG Guidelines, 2015. Collection method: clinical testing. Allele origin: germline.
Comment: This variant is classified as VUS-3B. Evidence in support of pathogenic classification: Variant is absent from gnomAD (v2, v3 and v4). Additional information: Variant is predicted to result in a missense amino acid change from Glu to Lys; This variant is homozygous; This gene is associated with autosomal recessive disease; Previous reports of pathogenicity for this variant are conflicting. This variant has been classified as likely pathogenic or as a VUS by clinical laboratories in ClinVar. One of these laboratories observed this variant along with p.(Ala291Val) phasing unknown, in an infant with a positive newborn screen with concern for 3-methylcrotonyl-CoA carboxylase deficiency, holocarboxylase synthetase deficiency, or biotinidase deficiency (personal communication). - No published evidence of segregation with disease has been identified for this variant; No published functional evidence has been identified for this variant; No comparable missense variants have previous evidence for pathogenicity; Variant is located in the annotated biotin carboxylase N-terminal domain (DECIPHER); Missense variant predicted to be damaging by in silico tool(s), however, the same amino acid change has been observed in placental mammals; Loss of function is a known mechanism of disease in this gene and is associated with 3-Methylcrotonyl-CoA carboxylase 1 deficiency (MIM#210200); Variants in this gene are known to have variable expressivity. The phenotype is highly variable ranging from severe neonatal disease to asymptomatic adults (PMID: 22642865, OMIM).

Labcorp Genetics (formerly Invitae), Labcorp
Classification: Uncertain significance for 3-methylcrotonyl-CoA carboxylase 1 deficiency. Last evaluated: 2025-04-07. Review status: criteria provided, single submitter. Criteria: Invitae Variant Classification Sherloc (09022015). Collection method: clinical testing. Allele origin: germline.
Comment: This sequence change replaces glutamic acid, which is acidic and polar, with lysine, which is basic and polar, at codon 94 of the MCCC1 protein (p.Glu94Lys). This variant is not present in population databases (gnomAD no frequency). This missense change has been observed in individual(s) with clinical features of 3-methylcrotonyl-CoA carboxylase deficiency (internal data). ClinVar contains an entry for this variant (Variation ID: 850267). Invitae Evidence Modeling of protein sequence and biophysical properties (such as structural, functional, and spatial information, amino acid conservation, physicochemical variation, residue mobility, and thermodynamic stability) has been performed for this missense variant. However, the output from this modeling did not meet the statistical confidence thresholds required to predict the impact of this variant on MCCC1 protein function. In summary, the available evidence is currently insufficient to determine the role of this variant in disease. Therefore, it has been classified as a Variant of Uncertain Significance.

Fulgent Genetics
Classification: Likely pathogenic for 3-methylcrotonyl-CoA carboxylase 1 deficiency. Last evaluated: 2024-06-21. Review status: criteria provided, single submitter. Criteria: ACMG Guidelines, 2015. Collection method: clinical testing. Allele origin: germline.

Literature cited by the submitters: PubMed 22642865 (cited by Victorian Clinical Genetics Services, Murdoch Childrens Research Institute).

NM_020166.5(MCCC1):c.280G>A (p.Glu94Lys)

Gene: MCCC1 (methylcrotonyl-CoA carboxylase subunit 1; minus strand). Cytogenetic location: 3q27.1.
Variant type: single nucleotide variant.
Coding change: c.280G>A on transcript NM_020166.5 (MANE Select); coding-DNA position 280, G replaced by A.
Protein change: p.Glu94Lys; replaces glutamic acid 94 with lysine.
Molecular consequence: missense variant. On other transcripts: 5 prime UTR variant (1), non-coding transcript variant (1).
Genome position (GRCh38, 1-based): chr3:183,086,782, C>T on the plus strand (G>A on the coding strand, the complement: MCCC1 is on the minus strand). VCF-style: chr3-183086782-C-T. GRCh37 (hg19) VCF-style: chr3-182804570-C-T.
Other names: c.51G>A, p.Met17Ile (NM_001293273.2); c.-48G>A (NM_001363880.1); short protein forms M17I, E94K.
Identifiers: ClinVar variation 850267 (VCV000850267.12), dbSNP rs1717925328, ClinGen allele CA355319654.